The following is an entry in ClinVar:

NM_017617.5(NOTCH1):c.3223T>A (p.Trp1075Arg)

Gene: NOTCH1 (notch receptor 1; minus strand). Cytogenetic location: 9q34.3.
Variant type: single nucleotide variant.
Coding change: c.3223T>A on transcript NM_017617.5 (MANE Select); coding-DNA position 3223, T replaced by A.
Protein change: p.Trp1075Arg; replaces tryptophan 1075 with arginine.
Molecular consequence: missense variant.
Genome position (GRCh38, 1-based): chr9:136,508,334, A>T on the plus strand (T>A on the coding strand, the complement: NOTCH1 is on the minus strand). VCF-style: chr9-136508334-A-T. GRCh37 (hg19) VCF-style: chr9-139402786-A-T.
Other names: short protein forms W1075R.
Identifiers: ClinVar variation 1702609 (VCV001702609.2), dbSNP rs2133347515, ClinGen allele CA375552259.

ClinVar aggregate classification (germline): Uncertain significance (1 of 4 stars; one submission).

Submission:

GeneDx
Classification: Uncertain significance. Last evaluated: 2022-02-15. Review status: criteria provided, single submitter. Criteria: GeneDx Variant Classification Process June 2021. Collection method: clinical testing. Allele origin: germline. Affected: yes.
Comment: Not observed at significant frequency in large population cohorts (gnomAD); In silico analysis supports that this missense variant has a deleterious effect on protein structure/function; Has not been previously published as pathogenic or benign to our knowledge